The following is an entry in ClinVar:

ClinVar aggregate classification (germline): Uncertain significance (1 of 4 stars; one submission).

Conditions:
Neonatal-onset encephalopathy with rigidity and seizures. Also called: Lethal neonatal spasticity-epileptic encephalopathy syndrome. Identifiers: Orphanet 435845, MedGen C3281029, MONDO:0013784, OMIM 614498.

Submission:

Labcorp Genetics (formerly Invitae), Labcorp
Classification: Uncertain significance for Neonatal-onset encephalopathy with rigidity and seizures. Last evaluated: 2017-10-07. Review status: criteria provided, single submitter. Criteria: Invitae Variant Classification Sherloc (09022015). Collection method: clinical testing. Allele origin: germline.
Comment: In summary, the available evidence is currently insufficient to determine the role of this variant in disease. Therefore, it has been classified as a Variant of Uncertain Significance. Algorithms developed to predict the effect of missense changes on protein structure and function do not agree on the potential impact of this missense change (SIFT: "Deleterious"; PolyPhen-2: "Benign"; Align-GVGD: "Class C15"). This variant has not been reported in the literature in individuals with BRAT1-related disease. This variant is not present in population databases (ExAC no frequency). This sequence change replaces arginine with serine at codon 538 of the BRAT1 protein (p.Arg538Ser). The arginine residue is highly conserved and there is a moderate physicochemical difference between arginine and serine.

NM_152743.4(BRAT1):c.1614A>T (p.Arg538Ser)

Gene: BRAT1 (BRCA1 associated ATM activator 1; minus strand). Cytogenetic location: 7p22.3.
Variant type: single nucleotide variant.
Coding change: c.1614A>T on transcript NM_152743.4 (MANE Select); coding-DNA position 1614, A replaced by T.
Protein change: p.Arg538Ser; replaces arginine 538 with serine.
Molecular consequence: missense variant. On other transcripts: non-coding transcript variant (1).
Genome position (GRCh38, 1-based): chr7:2,539,335, T>A on the plus strand (A>T on the coding strand, the complement: BRAT1 is on the minus strand). VCF-style: chr7-2539335-T-A. GRCh37 (hg19) VCF-style: chr7-2578969-T-A.
Other names: c.1614A>T, p.Arg538Ser (NM_001350626.2); c.1089A>T, p.Arg363Ser (NM_001350627.2); short protein forms R538S, R363S.
Identifiers: ClinVar variation 540159 (VCV000540159.8), dbSNP rs1554293738, ClinGen allele CA366627391.